The following is an entry in ClinVar:

ClinVar aggregate classification (germline): Likely benign (0 of 4 stars; one submission).

Conditions:
Polycystic kidney disease. Also called: Polycystic kidney dysplasia; Kidney, Polycystic. Identifiers: MedGen C0022680, MeSH D007690, MONDO:0020642, HP:0000113.

Allele frequency attached by ClinVar (database versions not stated): gnomAD 0.00001; gnomAD exomes 0.00002; ExAC 0.00003; TOPMed 0.00003; ESP Exome Variant Server 0.00008.
gnomAD v4.1: 31 of 1,610,994 alleles (0.0019%); highest among the groups gnomAD compares: East Asian, 0.0045%; no homozygotes.

Submission:

Department of Pathology and Laboratory Medicine, Sinai Health System
Classification: Likely benign for Polycystic Kidney disease. Review status: no assertion criteria provided. Collection method: clinical testing. Allele origin: unknown. Affected: yes. Study: The Canadian Open Genetics Repository (COGR).
Comment: The PKD1 p.Ser3178= variant was identified in 1 of 130 proband chromosomes (frequency: 0.008) from individuals or families with polycystic kidney disease (Yu 2011). The variant was identified in dbSNP (rs374200345) as â€šÃ„ÃºNAâ€šÃ„Ã¹ and ADPKD Mutation Database (observed 1x). The variant was not identified in ClinVar, LOVD 3.0 and PKD1-LOVD. The variant was identified in control databases in 6 of 249,342 chromosomes at a frequency of 0.00002 (Genome Aggregation Database Feb 27, 2017). The variant was observed in the following populations: European in 5 of 112,088 chromosomes (freq: 0.00005) and Latino in 1 of 34578 chromosomes (freq: 0.00003); it was not observed in the African, Ashkenazi Jewish, East Asian, Finnish, Other or South Asian populations. In addition, we cannot be certain that data from control databases is specific to PKD1 and not from one of the six PKD1 pseudogenes. The p.Ser3178= variant is not expected to have clinical significance because it does not result in a change of amino acid and is not located in a known consensus splice site. The variant occurs at a non-highly conserved nucleotide outside of the splicing consensus sequence and in silico or computational prediction software programs (SpliceSiteFinder, MaxEntScan, NNSPLICE, GeneSplicer) do not predict a difference in splicing. In summary, based on the above information, the clinical significance of this variant cannot be determined with certainty at this time although we would lean towards a more benign role for this variant. This variant is classified as likely benign.

NM_001009944.3(PKD1):c.9534C>T (p.Ser3178=)

Gene: PKD1 (polycystin 1, transient receptor potential channel interacting; minus strand). Cytogenetic location: 16p13.3.
Variant type: single nucleotide variant.
Coding change: c.9534C>T on transcript NM_001009944.3 (MANE Select); coding-DNA position 9534, C replaced by T.
Protein change: p.Ser3178=; no amino-acid change (serine 3178 retained).
Molecular consequence: synonymous variant.
Genome position (GRCh38, 1-based): chr16:2,100,430, G>A on the plus strand (C>T on the coding strand, the complement: PKD1 is on the minus strand). VCF-style: chr16-2100430-G-A. GRCh37 (hg19) VCF-style: chr16-2150431-G-A.
Other names: c.9534C>T, p.Ser3178= (NM_000296.4).
Identifiers: ClinVar variation 997349 (VCV000997349.1), dbSNP rs374200345, ClinGen allele CA7830055.